The following is an entry in ClinVar:

ClinVar aggregate classification (germline): Likely benign. Review status: criteria provided, multiple submitters, no conflicts (2 of 4 stars). 2 submissions from 2 submitters: Likely benign (2). Last evaluated 2024-02-17.

Conditions:
Tuberous sclerosis 2 (TSC2). Identifiers: Orphanet 805, MedGen C1860707, MONDO:0013199, OMIM 613254.

Allele frequency attached by ClinVar (database versions not stated): gnomAD exomes below 0.00001.
gnomAD v4.1: 1 of 1,613,206 alleles (0.000062%); highest among the groups gnomAD compares: Non-Finnish European, 0.000085%; no homozygotes.

Submissions (2):

Labcorp Genetics (formerly Invitae), Labcorp
Classification: Likely benign for Tuberous sclerosis 2. Last evaluated: 2024-02-17. Review status: criteria provided, single submitter. Criteria: Invitae Variant Classification Sherloc (09022015). Collection method: clinical testing. Allele origin: germline.

GeneDx
Classification: Likely benign. Last evaluated: 2017-09-14. Review status: criteria provided, single submitter. Criteria: GeneDx Variant Classification (06012015). Collection method: clinical testing. Allele origin: germline. Affected: yes.
Comment: This variant is considered likely benign or benign based on one or more of the following criteria: it is a conservative change, it occurs at a poorly conserved position in the protein, it is predicted to be benign by multiple in silico algorithms, and/or has population frequency not consistent with disease.

NM_000548.5(TSC2):c.4494-15C>G

Gene: TSC2 (TSC complex subunit 2; plus strand). Cytogenetic location: 16p13.3.
Variant type: single nucleotide variant.
Coding change: c.4494-15C>G on transcript NM_000548.5 (MANE Select); 15 bases into the intron before coding-DNA position 4494, C replaced by G.
Molecular consequence: intron variant.
Genome position (GRCh38, 1-based): chr16:2,084,936, C>G. VCF-style: chr16-2084936-C-G. GRCh37 (hg19) VCF-style: chr16-2134937-C-G.
Other names: c.4425-15C>G (NM_001114382.3); c.4365-15C>G (NM_021055.3, NM_001370405.1); c.4296-15C>G (NM_001363528.2); c.4362-15C>G (NM_001370404.1); c.4293-15C>G (NM_001077183.3); c.4185-15C>G (NM_001318827.2); c.3762-15C>G (NM_001318831.2); c.4149-15C>G (NM_001318829.2); and 1 more.
Identifiers: ClinVar variation 512024 (VCV000512024.8), dbSNP rs993595235, ClinGen allele CA276753901.